The following is an entry in ClinVar:

NM_015021.3(ZNF292):c.7102A>G (p.Ile2368Val)

Gene: ZNF292 (zinc finger protein 292; plus strand). Cytogenetic location: 6q14.3.
Variant type: single nucleotide variant.
Coding change: c.7102A>G on transcript NM_015021.3 (MANE Select); coding-DNA position 7102, A replaced by G.
Protein change: p.Ile2368Val; replaces isoleucine 2368 with valine.
Molecular consequence: missense variant.
Genome position (GRCh38, 1-based): chr6:87,260,731, A>G. VCF-style: chr6-87260731-A-G. GRCh37 (hg19) VCF-style: chr6-87970449-A-G.
Other names: c.6682A>G, p.Ile2228Val (NM_001351444.2); short protein forms I2228V, I2368V.
Identifiers: ClinVar variation 3054901 (VCV003054901.2), dbSNP rs370935062, ClinGen allele CA3914739.
Genomic context (GRCh38, chr6:87,260,731, plus strand): 5'-ATTGTGCAGATTGAAGAAAATAAGCCTTATTCTCTGAAACGTGGGAAGCATGTATATTCT[A>G]TAAAGGCTAGAAATGATGCCCTGTCTGAGTGTACAAGCAGATTTGTAACCCAGTATCCAT-3'
Protein context (NP_055836.1, residues 2358-2378): SLKRGKHVYS[Ile2368Val]KARNDALSEC

ClinVar aggregate classification (germline): Likely benign (0 of 4 stars; one submission).

Conditions:
ZNF292-related disorder. Also called: ZNF292-related condition.

Allele frequency attached by ClinVar (database versions not stated): TOPMed 0.00003; ESP Exome Variant Server 0.00008; gnomAD 0.00016; gnomAD exomes 0.00020; ExAC 0.00053; 1000 Genomes Project 0.00080; 1000 Genomes Project 30x 0.00094.
gnomAD v4.1: 318 of 1,613,474 alleles (0.02%); highest among the groups gnomAD compares: South Asian, 0.28%; 4 homozygotes.

Submission:

PreventionGenetics, part of Exact Sciences
Classification: Likely benign for ZNF292-related condition. Last evaluated: 2023-11-27. Review status: no assertion criteria provided. Collection method: clinical testing. Allele origin: germline.
Comment: This variant is classified as likely benign based on ACMG/AMP sequence variant interpretation guidelines (Richards et al. 2015 PMID: 25741868, with internal and published modifications).